The following is an entry in ClinVar:

ClinVar aggregate classification (germline): Uncertain significance (1 of 4 stars; one submission).

Conditions:
CK syndrome. Also called: MENTAL RETARDATION, X-LINKED, WITH THIN BODY HABITUS AND CORTICAL MALFORMATION. Identifiers: Orphanet 251383, MedGen C3151781, MONDO:0010441, OMIM 300831.
Child syndrome. Also called: CHILD (Congenital Hemidysplasia with Ichthyosiform Nevus and Limb Defects) Syndrome. Identifiers: Orphanet 139, MedGen C0265267, MONDO:0010621, OMIM 308050.

Submission:

Juno Genomics, Hangzhou Juno Genomics, Inc
Classification: Uncertain significance for Child syndrome; CK syndrome. Review status: criteria provided, single submitter. Criteria: ACMG Guidelines, 2015. Collection method: clinical testing. Allele origin: germline.
Comment: Absent from controls (or at extremely low frequency if recessive) in Genome Aggregation Database.;Multiple lines of computational evidence support a deleterious effect on the gene or gene product.

NM_015922.3(NSDHL):c.530T>C (p.Ile177Thr)

Gene: NSDHL (NAD(P) dependent 3-beta-hydroxysteroid dehydrogenase NSDHL; plus strand). Cytogenetic location: Xq28.
Variant type: single nucleotide variant.
Coding change: c.530T>C on transcript NM_015922.3 (MANE Select); coding-DNA position 530, T replaced by C.
Protein change: p.Ile177Thr; replaces isoleucine 177 with threonine.
Molecular consequence: missense variant.
Genome position (GRCh38, 1-based): chrX:152,862,711, T>C. VCF-style: chrX-152862711-T-C. GRCh37 (hg19) VCF-style: chrX-152031255-T-C.
Other names: c.530T>C, p.Ile177Thr (NM_001129765.2, NM_001441099.1); short protein forms I177T.
Identifiers: ClinVar variation 5019350 (VCV005019350.2).